The following is an entry in ClinVar:

ClinVar aggregate classification (germline): Likely benign. Review status: criteria provided, multiple submitters, no conflicts (2 of 4 stars). 5 submissions from 5 submitters: Likely benign (4). 1 of the submissions does not count toward it. Last evaluated 2026-02-01.

Conditions:
KCNK3-related disorder. Also called: KCNK3-related condition.
Pulmonary hypertension, primary, 4. Identifiers: Orphanet 422, MedGen C3809198, MONDO:0014136, OMIM 615344.

Allele frequency attached by ClinVar (database versions not stated): gnomAD 0.00094 and 0.00098; TOPMed 0.00111; 1000 Genomes Project 30x 0.00047; 1000 Genomes Project 0.00060; ESP Exome Variant Server 0.00069.
gnomAD v4.1: 1,241 of 1,611,298 alleles (0.077%); highest among the groups gnomAD compares: Middle Eastern, 0.66%; 2 homozygotes.

Submissions (5):

Labcorp Genetics (formerly Invitae), Labcorp
Classification: Likely benign for Pulmonary hypertension, primary, 4. Last evaluated: 2026-02-01. Review status: criteria provided, single submitter. Criteria: Invitae Variant Classification Sherloc (09022015). Collection method: clinical testing. Allele origin: germline.

ARUP Laboratories, Molecular Genetics and Genomics, ARUP Laboratories
Classification: Likely benign for Pulmonary hypertension, primary, 4. Last evaluated: 2025-05-19. Review status: criteria provided, single submitter. Criteria: ARUP Molecular Germline Variant Investigation Process 2024. Collection method: clinical testing. Allele origin: germline.

Blueprint Genetics
Classification: Likely benign. Last evaluated: 2024-11-05. Review status: criteria provided, single submitter. Criteria: ACMG Guidelines, 2015. Collection method: clinical testing. Allele origin: germline.

Breakthrough Genomics
Classification: Likely benign. Review status: criteria provided, single submitter. Criteria: ACMG Guidelines, 2015. Collection method: not provided. Allele origin: germline. Inheritance: Autosomal dominant inheritance. Affected: yes.

PreventionGenetics, part of Exact Sciences
Classification: Benign for KCNK3-related condition. Last evaluated: 2024-09-04. Review status: no assertion criteria provided. Collection method: clinical testing. Allele origin: germline. Not counted in ClinVar's aggregate classification.
Comment: This variant is classified as benign based on ACMG/AMP sequence variant interpretation guidelines (Richards et al. 2015 PMID: 25741868, with internal and published modifications).

NM_002246.3(KCNK3):c.423C>A (p.His141Gln)

Gene: KCNK3 (potassium two pore domain channel subfamily K member 3; plus strand). Cytogenetic location: 2p23.3.
Variant type: single nucleotide variant.
Coding change: c.423C>A on transcript NM_002246.3 (MANE Select); coding-DNA position 423, C replaced by A.
Protein change: p.His141Gln; replaces histidine 141 with glutamine.
Molecular consequence: missense variant.
Genome position (GRCh38, 1-based): chr2:26,727,806, C>A. VCF-style: chr2-26727806-C-A. GRCh37 (hg19) VCF-style: chr2-26950674-C-A.
Other names: short protein forms H141Q.
Identifiers: ClinVar variation 474321 (VCV000474321.16), dbSNP rs151228365, ClinGen allele CA1565494.